The following is an entry in ClinVar:

NM_000543.5(SMPD1):c.1836del (p.Met613fs)

Gene: SMPD1 (sphingomyelin phosphodiesterase 1; plus strand). Cytogenetic location: 11p15.4.
Variant type: Deletion.
Coding change: c.1836del on transcript NM_000543.5 (MANE Select); coding-DNA position 1836, one base deleted (G; older notation c.1836delG).
Protein change: p.Met613fs; shifts the reading frame from methionine 613.
Molecular consequence: frameshift variant. On other transcripts: 3 prime UTR variant (1), non-coding transcript variant (2).
Genome position (GRCh38, 1-based): chr11:6,394,547, G deleted. VCF-style (leftmost placement, unchanged base first): chr11-6394546-TG-T. GRCh37 (hg19) VCF-style: chr11-6415776-TG-T.
Other names: c.1833del, p.Met612fs (NM_001007593.3); c.*329del (NM_001318087.2); c.915del, p.Met306fs (NM_001318088.2); c.1704del, p.Met569fs (NM_001365135.2); short protein forms M613fs, M306fs, M612fs, M569fs.
Identifiers: ClinVar variation 5004489 (VCV005004489.1).

ClinVar aggregate classification (germline): Uncertain significance (1 of 4 stars; one submission).

Conditions:
Acid sphingomyelinase deficiency. Identifiers: Orphanet 618899, MedGen C5243927, MONDO:0100464.

Submission:

Myriad Genetics, Inc.
Classification: Uncertain significance for Acid sphingomyelinase deficiency. Last evaluated: 2025-10-02. Review status: criteria provided, single submitter. Criteria: Myriad Autosomal Dominant, Autosomal Recessive and X-Linked Classification Criteria (2023). Collection method: clinical testing. Allele origin: unknown.
Comment: NM_000543.4(SMPD1):c.1836delG(M613Cfs*89) is a frameshift variant that results in protein elongation classified as a variant of uncertain significance in the context of Niemann-Pick disease, SMPD1-related. M613Cfs*89 has not been observed in cases with relevant disease. Relevant functional assessments of this variant are not available in the literature. M613Cfs*89 has not been observed in referenced population frequency databases. In summary, there is insufficient evidence to classify NM_000543.4(SMPD1):c.1836delG(M613Cfs*89) as pathogenic or benign. Please note: this variant was assessed in the context of healthy population screening.